The following is an entry in ClinVar:

NM_014989.7(RIMS1):c.3700C>T (p.Pro1234Ser)

Gene: RIMS1 (regulating synaptic membrane exocytosis 1; plus strand). Cytogenetic location: 6q13.
Variant type: single nucleotide variant.
Coding change: c.3700C>T on transcript NM_014989.7 (MANE Select); coding-DNA position 3700, C replaced by T.
Protein change: p.Pro1234Ser; replaces proline 1234 with serine.
Molecular consequence: missense variant. On other transcripts: intron variant (56).
Genome position (GRCh38, 1-based): chr6:72,290,824, C>T. VCF-style: chr6-72290824-C-T. GRCh37 (hg19) VCF-style: chr6-73000527-C-T.
Other names: c.1774C>T, p.Pro592Ser (NM_001350420.2); c.1756C>T, p.Pro586Ser (NM_001350431.2); c.1843C>T, p.Pro615Ser (NM_001350438.2, NM_001350456.2); c.1846C>T, p.Pro616Ser (NM_001350442.2, NM_001350446.2); c.1705C>T, p.Pro569Ser (NM_001350462.2); c.1632-1110C>T (NM_001350428.2); c.1560-1110C>T (NM_001350459.2, NM_001350424.2); c.1641-1110C>T (NM_001350437.2); and 31 more; short protein forms P586S, P592S, P615S, P616S, P1234S, P569S.
Identifiers: ClinVar variation 1358848 (VCV001358848.8), dbSNP rs376024280, ClinGen allele CA3886321.

ClinVar aggregate classification (germline): Uncertain significance (1 of 4 stars; one submission).

Allele frequency attached by ClinVar (database versions not stated): gnomAD 0.00001; ExAC 0.00002; TOPMed 0.00002; ESP Exome Variant Server 0.00008.
gnomAD v4.1: 4 of 1,613,124 alleles (0.00025%); highest among the groups gnomAD compares: African/African-American, 0.0053%; no homozygotes.

Submission:

Labcorp Genetics (formerly Invitae), Labcorp
Classification: Uncertain significance. Last evaluated: 2022-11-15. Review status: criteria provided, single submitter. Criteria: Invitae Variant Classification Sherloc (09022015). Collection method: clinical testing. Allele origin: germline.
Comment: ClinVar contains an entry for this variant (Variation ID: 1358848). Algorithms developed to predict the effect of missense changes on protein structure and function are either unavailable or do not agree on the potential impact of this missense change (SIFT: "Deleterious"; PolyPhen-2: "Possibly Damaging"; Align-GVGD: "Class C0"). This sequence change replaces proline, which is neutral and non-polar, with serine, which is neutral and polar, at codon 1234 of the RIMS1 protein (p.Pro1234Ser). This variant is present in population databases (rs376024280, gnomAD 0.01%). This variant has not been reported in the literature in individuals affected with RIMS1-related conditions. In summary, the available evidence is currently insufficient to determine the role of this variant in disease. Therefore, it has been classified as a Variant of Uncertain Significance.